The following is an entry in ClinVar:

ClinVar aggregate classification (germline): Pathogenic. Review status: criteria provided, multiple submitters, no conflicts (2 of 4 stars). 4 submissions from 4 submitters: Pathogenic (3). 1 of the submissions does not count toward it. Last evaluated 2025-02-19.

Conditions:
Emery-Dreifuss muscular dystrophy 4, autosomal dominant (EDMD4). Also called: EMERY-DREIFUSS MUSCULAR DYSTROPHY 4 WITH VARIABLE FEATURES. Identifiers: Orphanet 261, MedGen C2751807, MONDO:0013071, OMIM 612998.
Autosomal recessive ataxia, Beauce type. Also called: Spinocerebellar ataxia, autosomal recessive 8; ATAXIA, RECESSIVE, OF BEAUCE; SYNE1 Deficiency; SYNE1-Related Autosomal Recessive Cerebellar Ataxia. Identifiers: Orphanet 88644, MedGen C1853116, MONDO:0012549, OMIM 610743.

Allele frequency attached by ClinVar (database versions not stated): gnomAD exomes below 0.00001; TOPMed 0.00001.
gnomAD v4.1: 1 of 1,614,112 alleles (0.000062%); highest among the groups gnomAD compares: Non-Finnish European, 0.000085%; no homozygotes.

Submissions (4):

Athena Diagnostics
Classification: Pathogenic. Last evaluated: 2025-02-19. Review status: criteria provided, single submitter. Criteria: Athena Diagnostics Criteria. Collection method: clinical testing. Allele origin: unknown.
Comment: This variant is expected to result in the loss of a functional protein. This variant has not been reported in large, multi-ethnic general populations. This variant has been identified in at least one individual with clinical features associated with autosomal recessive spinocerebellar ataxia. In some published literature, this variant is referred to as c.4555C>T, p.Q1519*.

Labcorp Genetics (formerly Invitae), Labcorp
Classification: Pathogenic for Emery-Dreifuss muscular dystrophy 4, autosomal dominant; Autosomal recessive ataxia, Beauce type. Last evaluated: 2022-11-15. Review status: criteria provided, single submitter. Criteria: Invitae Variant Classification Sherloc (09022015). Collection method: clinical testing. Allele origin: germline.
Comment: For these reasons, this variant has been classified as Pathogenic. ClinVar contains an entry for this variant (Variation ID: 1454968). This premature translational stop signal has been observed in individual(s) with clinical features of autosomal recessive spinocerebellar ataxia (PMID: 31103315). This variant is not present in population databases (gnomAD no frequency). This sequence change creates a premature translational stop signal (p.Gln1519*) in the SYNE1 gene. It is expected to result in an absent or disrupted protein product. Loss-of-function variants in SYNE1 are known to be pathogenic (PMID: 19542096, 24319099, 27086870).

Mendelics
Classification: Pathogenic for Autosomal recessive ataxia, Beauce type. Last evaluated: 2022-05-04. Review status: criteria provided, single submitter. Criteria: Mendelics Assertion Criteria 2019. Collection method: clinical testing. Allele origin: germline.

Solve-RD Consortium
Classification: Likely pathogenic for Autosomal recessive ataxia, Beauce type. Last evaluated: 2022-06-01. Review status: no assertion criteria provided. Collection method: provider interpretation. Allele origin: inherited. Affected: yes. Not counted in ClinVar's aggregate classification.
Comment: Variant confirmed as disease-causing by referring clinical team

Variant identified during reanalysis of unsolved cases by the Solve-RD project. The Solve-RD project has received funding from the European Union’s Horizon 2020 research and innovation programme under grant agreement No 779257.

Literature cited by the submitters: PubMed 39825153 (cited by Athena Diagnostics and Solve-RD Consortium); PubMed 35595401 (cited by Athena Diagnostics); PubMed 31103315 (cited by Labcorp Genetics (formerly Invitae), Labcorp); PubMed 19542096 (cited by Labcorp Genetics (formerly Invitae), Labcorp); PubMed 24319099 (cited by Labcorp Genetics (formerly Invitae), Labcorp); PubMed 27086870 (cited by Labcorp Genetics (formerly Invitae), Labcorp).

NM_182961.4(SYNE1):c.4534C>T (p.Gln1512Ter)

Gene: SYNE1 (spectrin repeat containing nuclear envelope protein 1; minus strand). Cytogenetic location: 6q25.2.
Variant type: single nucleotide variant.
Coding change: c.4534C>T on transcript NM_182961.4 (MANE Select); coding-DNA position 4534, C replaced by T.
Protein change: p.Gln1512Ter; replaces glutamine 1512 with a stop codon.
Molecular consequence: nonsense.
Genome position (GRCh38, 1-based): chr6:152,430,637, G>A on the plus strand (C>T on the coding strand, the complement: SYNE1 is on the minus strand). VCF-style: chr6-152430637-G-A. GRCh37 (hg19) VCF-style: chr6-152751772-G-A.
Other names: c.4534C>T (NM_182961.2); c.4555C>T, p.Gln1519Ter (NM_033071.5); short protein forms Q1512*, Q1519*.
Identifiers: ClinVar variation 1454968 (VCV001454968.9), dbSNP rs988770583, ClinGen allele CA150219544.